The following is an entry in ClinVar:

ClinVar aggregate classification (germline): Uncertain significance. Review status: criteria provided, multiple submitters, no conflicts (2 of 4 stars). 4 submissions from 4 submitters: Uncertain significance (4). Last evaluated 2024-09-12.

Conditions:
Hereditary nonpolyposis colorectal neoplasms. Identifiers: MedGen C0009405, MeSH D003123.
Hereditary cancer-predisposing syndrome. Also called: Neoplastic Syndromes, Hereditary; Tumor predisposition; Hereditary Cancer Syndrome; Hereditary neoplastic syndrome. Identifiers: Orphanet 140162, MedGen C0027672, MeSH D009386, MONDO:0015356.

Submissions (4):

Ambry Genetics
Classification: Uncertain significance for Hereditary cancer-predisposing syndrome. Last evaluated: 2024-09-12. Review status: criteria provided, single submitter. Criteria: Ambry Variant Classification Scheme 2023. Collection method: clinical testing. Allele origin: germline.
Comment: The p.S666C variant (also known as c.1997C>G), located in coding exon 4 of the MSH6 gene, results from a C to G substitution at nucleotide position 1997. The serine at codon 666 is replaced by cysteine, an amino acid with dissimilar properties. This amino acid position is well conserved in available vertebrate species. In addition, the in silico prediction for this alteration is inconclusive. Based on the available evidence, the clinical significance of this variant remains unclear.

Labcorp Genetics (formerly Invitae), Labcorp
Classification: Uncertain significance for Hereditary nonpolyposis colorectal neoplasms. Last evaluated: 2023-05-19. Review status: criteria provided, single submitter. Criteria: Invitae Variant Classification Sherloc (09022015). Collection method: clinical testing. Allele origin: germline.
Comment: This sequence change replaces serine, which is neutral and polar, with cysteine, which is neutral and slightly polar, at codon 666 of the MSH6 protein (p.Ser666Cys). This variant is not present in population databases (gnomAD no frequency). This variant has not been reported in the literature in individuals affected with MSH6-related conditions. ClinVar contains an entry for this variant (Variation ID: 820498). Advanced modeling of protein sequence and biophysical properties (such as structural, functional, and spatial information, amino acid conservation, physicochemical variation, residue mobility, and thermodynamic stability) performed at Invitae indicates that this missense variant is not expected to disrupt MSH6 protein function. In summary, the available evidence is currently insufficient to determine the role of this variant in disease. Therefore, it has been classified as a Variant of Uncertain Significance.

Institute for Clinical Genetics, University Hospital TU Dresden, University Hospital TU Dresden
Classification: Uncertain significance. Last evaluated: 2021-11-03. Review status: criteria provided, single submitter. Criteria: ACMG Guidelines, 2015. Collection method: clinical testing. Allele origin: germline.

Color Diagnostics, LLC DBA Color Health
Classification: Uncertain significance for Hereditary cancer-predisposing syndrome. Last evaluated: 2020-09-27. Review status: criteria provided, single submitter. Criteria: ACMG Guidelines, 2015. Collection method: clinical testing. Allele origin: germline.
Comment: This missense variant replaces serine with cysteine at codon 666 of the MSH6 protein. Computational prediction suggests that this variant may not impact protein structure and function (internally defined REVEL score threshold <= 0.5, PMID: 27666373). To our knowledge, functional studies have not been reported for this variant. This variant has not been reported in individuals affected with hereditary cancer in the literature. This variant has not been identified in the general population by the Genome Aggregation Database (gnomAD). The available evidence is insufficient to determine the role of this variant in disease conclusively. Therefore, this variant is classified as a Variant of Uncertain Significance.

NM_000179.3(MSH6):c.1997C>G (p.Ser666Cys)

Gene: MSH6 (mutS homolog 6; plus strand). Cytogenetic location: 2p16.3.
Variant type: single nucleotide variant.
Coding change: c.1997C>G on transcript NM_000179.3 (MANE Select); coding-DNA position 1997, C replaced by G.
Protein change: p.Ser666Cys; replaces serine 666 with cysteine.
Molecular consequence: missense variant.
Genome position (GRCh38, 1-based): chr2:47,799,980, C>G. VCF-style: chr2-47799980-C-G. GRCh37 (hg19) VCF-style: chr2-48027119-C-G.
Other names: c.1607C>G, p.Ser536Cys (NM_001281492.2); c.1091C>G, p.Ser364Cys (NM_001281493.2, NM_001281494.2); short protein forms S364C, S536C, S666C.
Identifiers: ClinVar variation 820498 (VCV000820498.18), dbSNP rs760494271, ClinGen allele CA346750660.
Genomic context (GRCh38, chr2:47,799,980, plus strand): 5'-AGCTAAGTGATGGCATTGGGGTGATGTTACCCCAGGTGCTTAAAGGTATGACTTCAGAGT[C>G]TGATTCCATTGGGTTGACACCAGGAGAGAAAAGTGAATTGGCCCTCTCTGCTCTAGGTGG-3'
Protein context (NP_000170.1, residues 656-676): PQVLKGMTSE[Ser666Cys]DSIGLTPGEK